The following is an entry in ClinVar:

ClinVar aggregate classification (germline): Uncertain significance. Review status: criteria provided, multiple submitters, no conflicts (2 of 4 stars). 2 submissions from 2 submitters: Uncertain significance (2). Last evaluated 2022-10-27.

Conditions:
COL6A2-related disorder.
Bethlem myopathy 1A. Also called: Bethlem myopathy 1; Bethlem Muscular Dystrophy; MYOPATHY, BENIGN CONGENITAL, WITH CONTRACTURES. Identifiers: Orphanet 610, MedGen CN029274, MONDO:0024530, OMIM 158810.

Submissions (2):

PreventionGenetics, part of Exact Sciences
Classification: Uncertain significance for COL6A2-related condition. Last evaluated: 2022-10-27. Review status: criteria provided, single submitter. Criteria: ACMG Guidelines, 2015. Collection method: clinical testing. Allele origin: germline.
Comment: The COL6A2 c.3031_3042del12 variant is predicted to result in an in-frame deletion (p.Phe1011_Phe1014del). To our knowledge, this variant has not been reported in the literature or in a large population database, indicating this variant is rare. At this time, the clinical significance of this variant is uncertain due to the absence of conclusive functional and genetic evidence.

Labcorp Genetics (formerly Invitae), Labcorp
Classification: Uncertain significance for Bethlem myopathy 1A. Last evaluated: 2019-12-19. Review status: criteria provided, single submitter. Criteria: Invitae Variant Classification Sherloc (09022015). Collection method: clinical testing. Allele origin: germline.
Comment: In summary, the available evidence is currently insufficient to determine the role of this variant in disease. Therefore, it has been classified as a Variant of Uncertain Significance. Experimental studies and prediction algorithms are not available or were not evaluated, and the functional significance of this variant is currently unknown. This variant has not been reported in the literature in individuals with COL6A2-related conditions. This variant is not present in population databases (ExAC no frequency). This variant, c.3031_3042del, results in the deletion of 4 amino acid(s) of the COL6A2 protein (p.Phe1011_Phe1014del), but otherwise preserves the integrity of the reading frame.

NM_001849.4(COL6A2):c.3031_3042del (p.Phe1011_Phe1014del)

Gene: COL6A2 (collagen type VI alpha 2 chain; plus strand). Cytogenetic location: 21q22.3.
Variant type: Deletion.
Coding change: c.3031_3042del on transcript NM_001849.4 (MANE Select); coding-DNA positions 3031 to 3042, 12 bases deleted (TTCGACCGCTTC).
Protein change: p.Phe1011_Phe1014del.
Molecular consequence: inframe deletion.
Genome position (GRCh38, 1-based): chr21:46,132,523-46,132,534, TTCGACCGCTTC deleted; deleting any 12 consecutive bases within chr21:46,132,518-46,132,534 gives the same sequence; the c. name uses the placement nearest the transcript's 3' end. VCF-style (leftmost placement, unchanged base first): chr21-46132517-GGCTTCTTCGACC-G. GRCh37 (hg19) VCF-style: chr21-47552431-GGCTTCTTCGACC-G.
Other names: c.3031_3042del12 (NM_001849.3).
Identifiers: ClinVar variation 838813 (VCV000838813.11), dbSNP rs2078776370, ClinGen allele CA916081969.